The following is an entry in ClinVar:

ClinVar aggregate classification (germline): Likely benign. Review status: criteria provided, single submitter (1 of 4 stars). 2 submissions from 2 submitters: Likely benign (1). 1 of the submissions does not count toward it. Last evaluated 2023-06-05.

Conditions:
DSCAML1-related disorder. Also called: DSCAML1-related condition.

Allele frequency attached by ClinVar (database versions not stated): ExAC 0.00001; gnomAD 0.00001; gnomAD exomes 0.00001; TOPMed 0.00001; 1000 Genomes Project 30x 0.00016; 1000 Genomes Project 0.00020.
gnomAD v4.1: 22 of 1,612,916 alleles (0.0014%); highest among the groups gnomAD compares: Middle Eastern, 0.099%; no homozygotes.

Submissions (2):

Labcorp Genetics (formerly Invitae), Labcorp
Classification: Likely benign. Last evaluated: 2023-06-05. Review status: criteria provided, single submitter. Criteria: Invitae Variant Classification Sherloc (09022015). Collection method: clinical testing. Allele origin: germline.

PreventionGenetics, part of Exact Sciences
Classification: Likely benign for DSCAML1-related condition. Last evaluated: 2019-04-01. Review status: no assertion criteria provided. Collection method: clinical testing. Allele origin: germline. Not counted in ClinVar's aggregate classification.
Comment: This variant is classified as likely benign based on ACMG/AMP sequence variant interpretation guidelines (Richards et al. 2015 PMID: 25741868, with internal and published modifications).

NM_020693.4(DSCAML1):c.1194T>C (p.Phe398=)

Gene: DSCAML1 (DS cell adhesion molecule like 1; minus strand). Cytogenetic location: 11q23.3.
Variant type: single nucleotide variant.
Coding change: c.1194T>C on transcript NM_020693.4 (MANE Select); coding-DNA position 1194, T replaced by C.
Protein change: p.Phe398=; no amino-acid change (phenylalanine 398 retained).
Molecular consequence: synonymous variant.
Genome position (GRCh38, 1-based): chr11:117,521,149, A>G on the plus strand (T>C on the coding strand, the complement: DSCAML1 is on the minus strand). VCF-style: chr11-117521149-A-G. GRCh37 (hg19) VCF-style: chr11-117391864-A-G.
Other names: c.1374T>C (NM_020693.3); c.1194T>C, p.Phe398= (NM_001367904.1); c.786T>C, p.Phe262= (NM_001367905.1).
Identifiers: ClinVar variation 2899971 (VCV002899971.5), dbSNP rs568256298, ClinGen allele CA6297345.